The following is an entry in ClinVar:

ClinVar aggregate classification (somatic clinical impact): Tier II - Potential (1 of 4 stars; one submission).

Conditions:
Diffuse glioma, H3 G34 mutant. Identifiers: MedGen CN377580, MONDO:0957197.

Submission:

Institute for Genomic Medicine (IGM) Clinical Laboratory, Nationwide Children's Hospital
Classification: Tier II - Potential for Diffuse glioma, H3 G34 mutant. Assertion type: diagnostic. Clinical significance: supports diagnosis. Last evaluated: 2025-10-14. Review status: criteria provided, single submitter. Criteria: AMP/ASCO/CAP Guidelines, 2017. Collection method: clinical testing. Allele origin: somatic. Affected: yes.
Comment: Variant has Tier II (potential) clinical significance as a diagnostic inclusion criterion in diffuse glioma, H3 G34 mutant, based on the following evidence: 1) Documented in one or more cancer databases (e.g., St. Jude Pecan, COSMIC, CIViC, OncoKB). 2) Information in the literature supports potential biologic effect of variant (PMID: 33322834). 3) Assists in diagnosis alone or along with other biomarkers based on small studies or few case reports (Evidence Level D; PMIDs: 28912153, 26061751, 30710203).

Literature cited by the submitters: PubMed 33322834; PubMed 28912153; PubMed 26061751; PubMed 30710203.

NM_017617.5(NOTCH1):c.1441+2T>A

Gene: NOTCH1 (notch receptor 1; minus strand). Cytogenetic location: 9q34.3.
Variant type: single nucleotide variant.
Coding change: c.1441+2T>A on transcript NM_017617.5 (MANE Select); the canonical splice donor site of the intron after coding-DNA position 1441, T replaced by A.
Molecular consequence: splice donor variant.
Genome position (GRCh38, 1-based): chr9:136,517,750, A>T on the plus strand (T>A on the coding strand, the complement: NOTCH1 is on the minus strand). VCF-style: chr9-136517750-A-T. GRCh37 (hg19) VCF-style: chr9-139412202-A-T.
Identifiers: ClinVar variation 4530439 (VCV004530439.1).